The following is an entry in ClinVar:

ClinVar aggregate classification (germline): Likely pathogenic (1 of 4 stars; one submission).

Conditions:
Congenital myasthenic syndrome 4C (CMS4C). Also called: Myasthenic syndrome, congenital, associated with acetylcholine receptor deficiency. Identifiers: Orphanet 590, MedGen C1837091, MONDO:0012157, OMIM 608931.

gnomAD v4.1: 1 of 1,607,686 alleles (0.000062%); highest among the groups gnomAD compares: Admixed American, 0.0017%; no homozygotes.

Submission:

Pediatric Neurology, Ankara Etlik City Hospital, Health Sciences University
Classification: Likely pathogenic for Congenital myasthenic syndrome 4C. Last evaluated: 2026-04-14. Review status: criteria provided, single submitter. Criteria: ACMG Guidelines, 2015. Collection method: clinical testing. Allele origin: germline. Inheritance: Autosomal recessive inheritance. Affected: yes. Observed: 2 variant alleles, 2 homozygotes.
Comment: (PVS1 PM2)

NM_000080.4(CHRNE):c.485G>A (p.Cys162Tyr)

Genes: C17orf107 (chromosome 17 open reading frame 107; plus strand), CHRNE (cholinergic receptor nicotinic epsilon subunit; minus strand). Cytogenetic location: 17p13.2.
Variant type: single nucleotide variant.
Coding change: c.485G>A on transcript NM_000080.4 (MANE Select); coding-DNA position 485, G replaced by A.
Protein change: p.Cys162Tyr; replaces cysteine 162 with tyrosine.
Molecular consequence: missense variant. On other transcripts: 3 prime UTR variant (1).
Genome position (GRCh38, 1-based): chr17:4,901,947, C>T on the plus strand (G>A on the coding strand, the complement: CHRNE is on the minus strand). VCF-style: chr17-4901947-C-T. GRCh37 (hg19) VCF-style: chr17-4805242-C-T.
Other names: c.*1414C>T (NM_001145536.2); short protein forms C162Y.
Identifiers: ClinVar variation 4845277 (VCV004845277.1).